The following is an entry in ClinVar:

NM_004260.4(RECQL4):c.808G>A (p.Glu270Lys)

Gene: RECQL4 (RecQ like helicase 4; minus strand). Cytogenetic location: 8q24.3.
Variant type: single nucleotide variant.
Coding change: c.808G>A on transcript NM_004260.4 (MANE Select); coding-DNA position 808, G replaced by A.
Protein change: p.Glu270Lys; replaces glutamic acid 270 with lysine.
Molecular consequence: missense variant.
Genome position (GRCh38, 1-based): chr8:144,516,311, C>T on the plus strand (G>A on the coding strand, the complement: RECQL4 is on the minus strand). VCF-style: chr8-144516311-C-T. GRCh37 (hg19) VCF-style: chr8-145741695-C-T.
Other names: short protein forms E270K.
Identifiers: ClinVar variation 1692769 (VCV001692769.8), dbSNP rs1344294148, ClinGen allele CA372689140.

ClinVar aggregate classification (germline): Uncertain significance. Review status: criteria provided, multiple submitters, no conflicts (2 of 4 stars). 3 submissions from 3 submitters: Uncertain significance (3). Last evaluated 2025-01-10.

Conditions:
Inborn genetic diseases. Identifiers: MedGen C0950123, MeSH D030342.
Baller-Gerold syndrome (BGS). Also called: CRANIOSYNOSTOSIS WITH RADIAL DEFECTS. Identifiers: Orphanet 1225, MedGen C0265308, MONDO:0009039, OMIM 218600.
Hereditary cancer-predisposing syndrome. Also called: Neoplastic Syndromes, Hereditary; Hereditary Cancer Syndrome; Tumor predisposition; Hereditary neoplastic syndrome. Identifiers: Orphanet 140162, MedGen C0027672, MeSH D009386, MONDO:0015356.

Allele frequency attached by ClinVar (database versions not stated): gnomAD exomes below 0.00001; TOPMed below 0.00001; gnomAD 0.00001.

Submissions (3):

Ambry Genetics
Classification: Uncertain significance for Inborn genetic diseases. Last evaluated: 2025-01-10. Review status: criteria provided, single submitter. Criteria: Ambry Variant Classification Scheme 2023. Collection method: clinical testing. Allele origin: germline.
Comment: The p.E270K variant (also known as c.808G>A), located in coding exon 5 of the RECQL4 gene, results from a G to A substitution at nucleotide position 808. The glutamic acid at codon 270 is replaced by lysine, an amino acid with similar properties. This amino acid position is conserved. In addition, this alteration is predicted to be tolerated by in silico analysis. Based on the available evidence, the clinical significance of this variant remains unclear.

Labcorp Genetics (formerly Invitae), Labcorp
Classification: Uncertain significance for Baller-Gerold syndrome. Last evaluated: 2024-01-22. Review status: criteria provided, single submitter. Criteria: Invitae Variant Classification Sherloc (09022015). Collection method: clinical testing. Allele origin: germline.
Comment: This sequence change replaces glutamic acid, which is acidic and polar, with lysine, which is basic and polar, at codon 270 of the RECQL4 protein (p.Glu270Lys). This variant is not present in population databases (gnomAD no frequency). This variant has not been reported in the literature in individuals affected with RECQL4-related conditions. ClinVar contains an entry for this variant (Variation ID: 1692769). Advanced modeling of protein sequence and biophysical properties (such as structural, functional, and spatial information, amino acid conservation, physicochemical variation, residue mobility, and thermodynamic stability) performed at Invitae indicates that this missense variant is not expected to disrupt RECQL4 protein function with a negative predictive value of 80%. In summary, the available evidence is currently insufficient to determine the role of this variant in disease. Therefore, it has been classified as a Variant of Uncertain Significance.

Sema4
Classification: Uncertain significance for Hereditary cancer-predisposing syndrome. Last evaluated: 2021-06-07. Review status: criteria provided, single submitter. Criteria: Sema4 Curation Guidelines. Collection method: curation. Allele origin: germline.
Comment: The RECQL4 c.808G>A (p.E270K) variant has not been reported in literature to our knowledge. This variant was observed in 1/109536 chromosomes in the Non-Finnish European subpopulation according to the Genome Aggregation Database (PMID: 32461654). In silico tools suggest the impact of the variant on protein function is benign, though these predictions have not been confirmed by functional studies. The overall evidence is insufficient to meet ACMG/AMP criteria for classifying it as benign or pathogenic. In summary, the clinical significance of this variant is currently uncertain.